The following is an entry in ClinVar:

ClinVar aggregate classification (germline): Conflicting classifications of pathogenicity. Review status: criteria provided, conflicting classifications (1 of 4 stars). 3 submissions from 3 submitters: Likely pathogenic (2); Uncertain significance (1). Last evaluated 2025-05-06.

Conditions:
Neurofibromatosis, type 1 (NF1). Also called: VON RECKLINGHAUSEN DISEASE; NEUROFIBROMATOSIS, TYPE I, SOMATIC; Peripheral type neurofibromatosis; Neurofibromatosis, type I. Identifiers: Orphanet 636, MedGen C0027831, MONDO:0018975, OMIM 162200. Disease mechanism: loss of function.

Submissions (3):

Institute of Human Genetics, University of Leipzig Medical Center
Classification: Likely pathogenic for Neurofibromatosis, type 1. Last evaluated: 2025-05-06. Review status: criteria provided, single submitter. Criteria: ACMG Guidelines, 2015. Collection method: clinical testing. Allele origin: unknown. Inheritance: Autosomal dominant inheritance. Affected: yes.
Comment: Criteria applied: PM5_STR,PM2,PS4_SUP,PP2,PP3

GeneDx
Classification: Uncertain significance. Last evaluated: 2022-12-20. Review status: criteria provided, single submitter. Criteria: GeneDx Variant Classification Process June 2021. Collection method: clinical testing. Allele origin: germline. Affected: yes.
Comment: Not observed at significant frequency in large population cohorts (gnomAD); In silico analysis supports that this missense variant has a deleterious effect on protein structure/function; Has not been previously published as pathogenic or benign to our knowledge; This variant is associated with the following publications: (PMID: 22807134, 25486365)

Labcorp Genetics (formerly Invitae), Labcorp
Classification: Likely pathogenic for Neurofibromatosis, type 1. Last evaluated: 2021-04-09. Review status: criteria provided, single submitter. Criteria: Invitae Variant Classification Sherloc (09022015). Collection method: clinical testing. Allele origin: germline.
Comment: This sequence change replaces methionine with isoleucine at codon 1440 of the NF1 protein (p.Met1440Ile). The methionine residue is moderately conserved and there is a small physicochemical difference between methionine and isoleucine. In summary, the currently available evidence indicates that the variant is pathogenic, but additional data are needed to prove that conclusively. Therefore, this variant has been classified as Likely Pathogenic. This variant disrupts the p.Met1440 amino acid residue in NF1. Other variant(s) that disrupt this residue have been determined to be pathogenic (Invitae). This suggests that this residue is clinically significant, and that variants that disrupt this residue are likely to be disease-causing. Advanced modeling of protein sequence and biophysical properties (such as structural, functional, and spatial information, amino acid conservation, physicochemical variation, residue mobility, and thermodynamic stability) performed at Invitae indicates that this missense variant is expected to disrupt NF1 protein function. This variant has not been reported in the literature in individuals with NF1-related conditions. ClinVar contains an entry for this variant (Variation ID: 527430). This variant is not present in population databases (ExAC no frequency).

NM_001042492.3(NF1):c.4383G>A (p.Met1461Ile)

Gene: NF1 (neurofibromin 1; plus strand). Cytogenetic location: 17q11.2.
Variant type: single nucleotide variant.
Coding change: c.4383G>A on transcript NM_001042492.3 (MANE Select); coding-DNA position 4383, G replaced by A.
Protein change: p.Met1461Ile; replaces methionine 1461 with isoleucine.
Molecular consequence: missense variant.
Genome position (GRCh38, 1-based): chr17:31,259,082, G>A. VCF-style: chr17-31259082-G-A. GRCh37 (hg19) VCF-style: chr17-29586100-G-A.
Other names: c.4320G>A, p.Met1440Ile (NM_000267.4); short protein forms M1461I, M1440I.
Identifiers: ClinVar variation 527430 (VCV000527430.7), dbSNP rs1555618677, ClinGen allele CA398998852.